The following is an entry in ClinVar:

ClinVar aggregate classification (germline): Likely benign. Review status: criteria provided, multiple submitters, no conflicts (2 of 4 stars). 3 submissions from 3 submitters: Likely benign (2). 1 of the submissions does not count toward it. Last evaluated 2024-09-03.

Conditions:
Bardet-Biedl syndrome (BBS). Identifiers: Orphanet 110, MedGen C0752166, MONDO:0015229.
BBS2-related disorder. Also called: BBS2-related disorders; BBS2-related condition. Identifiers: MedGen CN239228.

Allele frequency attached by ClinVar (database versions not stated): ExAC 0.00001; gnomAD exomes 0.00001.
gnomAD v4.1: 3 of 1,614,166 alleles (0.00019%); highest among the groups gnomAD compares: Non-Finnish European, 0.00025%; no homozygotes.

Submissions (3):

Blueprint Genetics
Classification: Likely benign. Last evaluated: 2024-09-03. Review status: criteria provided, single submitter. Criteria: ACMG Guidelines, 2015. Collection method: clinical testing. Allele origin: germline.

Labcorp Genetics (formerly Invitae), Labcorp
Classification: Likely benign for Bardet-Biedl syndrome. Last evaluated: 2023-06-23. Review status: criteria provided, single submitter. Criteria: Invitae Variant Classification Sherloc (09022015). Collection method: clinical testing. Allele origin: germline.

PreventionGenetics, part of Exact Sciences
Classification: Likely benign for BBS2-related condition. Last evaluated: 2023-11-22. Review status: no assertion criteria provided. Collection method: clinical testing. Allele origin: germline. Not counted in ClinVar's aggregate classification.
Comment: This variant is classified as likely benign based on ACMG/AMP sequence variant interpretation guidelines (Richards et al. 2015 PMID: 25741868, with internal and published modifications).

NM_031885.5(BBS2):c.2005T>C (p.Leu669=)

Gene: BBS2 (Bardet-Biedl syndrome 2; minus strand). Cytogenetic location: 16q13.
Variant type: single nucleotide variant.
Coding change: c.2005T>C on transcript NM_031885.5 (MANE Select); coding-DNA position 2005, T replaced by C.
Protein change: p.Leu669=; no amino-acid change (leucine 669 retained).
Molecular consequence: synonymous variant. On other transcripts: non-coding transcript variant (5).
Genome position (GRCh38, 1-based): chr16:56,485,644, A>G on the plus strand (T>C on the coding strand, the complement: BBS2 is on the minus strand). VCF-style: chr16-56485644-A-G. GRCh37 (hg19) VCF-style: chr16-56519556-A-G.
Other names: c.2005T>C (NM_031885.3); c.2005T>C, p.Leu669= (NM_001377456.1).
Identifiers: ClinVar variation 2158793 (VCV002158793.6), dbSNP rs774115639, ClinGen allele CA8065559.
Genomic context (GRCh38, chr16:56,485,644, plus strand): 5'-ACTTACCCCGCAGACGACCTGCTCTTTGAATTGCTTGATTTACTGCTTTGAGGTTTCCCA[A>G]CAGCTCTGTGTGATTGTTACAGCGAATTTTATATCCATTTAGCAAGTCTCTATTAAGGTC-3'
Protein context (NP_114091.4, residues 659-679): KIRCNNHTEL[Leu669=]GNLKAVNQAI